The following is an entry in ClinVar:

ClinVar aggregate classification (germline): Uncertain significance. Review status: criteria provided, multiple submitters, no conflicts (2 of 4 stars). 2 submissions from 2 submitters: Uncertain significance (2). Last evaluated 2025-07-10.

Conditions:
Inborn genetic diseases. Identifiers: MedGen C0950123, MeSH D030342.

Allele frequency attached by ClinVar (database versions not stated): ExAC 0.00001; gnomAD 0.00001; TOPMed 0.00002.
gnomAD v4.1: 3 of 1,597,204 alleles (0.00019%); highest among the groups gnomAD compares: East Asian, 0.0067%; no homozygotes.

Submissions (2):

Ambry Genetics
Classification: Uncertain significance for Inborn genetic diseases. Last evaluated: 2025-07-10. Review status: criteria provided, single submitter. Criteria: Ambry Variant Classification Scheme 2023. Collection method: clinical testing. Allele origin: germline.
Comment: The p.Q39R variant (also known as c.116A>G), located in coding exon 1 of the SAMD9 gene, results from an A to G substitution at nucleotide position 116. The glutamine at codon 39 is replaced by arginine, an amino acid with highly similar properties. This amino acid position is conserved. In addition, this alteration is predicted to be tolerated by in silico analysis. Based on the available evidence, the clinical significance of this variant remains unclear.

Labcorp Genetics (formerly Invitae), Labcorp
Classification: Uncertain significance. Last evaluated: 2023-11-06. Review status: criteria provided, single submitter. Criteria: Invitae Variant Classification Sherloc (09022015). Collection method: clinical testing. Allele origin: germline.
Comment: This sequence change replaces glutamine, which is neutral and polar, with arginine, which is basic and polar, at codon 39 of the SAMD9 protein (p.Gln39Arg). This variant is present in population databases (rs745435231, gnomAD 0.02%). This variant has not been reported in the literature in individuals affected with SAMD9-related conditions. Advanced modeling of protein sequence and biophysical properties (such as structural, functional, and spatial information, amino acid conservation, physicochemical variation, residue mobility, and thermodynamic stability) has been performed at Invitae for this missense variant, however the output from this modeling did not meet the statistical confidence thresholds required to predict the impact of this variant on SAMD9 protein function. In summary, the available evidence is currently insufficient to determine the role of this variant in disease. Therefore, it has been classified as a Variant of Uncertain Significance.

NM_017654.4(SAMD9):c.116A>G (p.Gln39Arg)

Gene: SAMD9 (sterile alpha motif domain containing 9; minus strand). Cytogenetic location: 7q21.2.
Variant type: single nucleotide variant.
Coding change: c.116A>G on transcript NM_017654.4 (MANE Select); coding-DNA position 116, A replaced by G.
Protein change: p.Gln39Arg; replaces glutamine 39 with arginine.
Molecular consequence: missense variant.
Genome position (GRCh38, 1-based): chr7:93,105,982, T>C on the plus strand (A>G on the coding strand, the complement: SAMD9 is on the minus strand). VCF-style: chr7-93105982-T-C. GRCh37 (hg19) VCF-style: chr7-92735295-T-C.
Other names: c.116A>G, p.Gln39Arg (NM_001193307.2); c.116A>G (NM_017654.3); short protein forms Q39R.
Identifiers: ClinVar variation 2990229 (VCV002990229.5), dbSNP rs745435231, ClinGen allele CA4343214.